The following is an entry in ClinVar:

ClinVar aggregate classification (germline): Pathogenic. Review status: criteria provided, multiple submitters, no conflicts (2 of 4 stars). 2 submissions from 2 submitters: Pathogenic (2). Last evaluated 2024-06-13.

Conditions:
Glycogen storage disease due to lactate dehydrogenase M-subunit deficiency (GSD11). Also called: Glycogen storage disease XI; GSD XI; LACTATE DEHYDROGENASE A DEFICIENCY. Identifiers: Orphanet 284426, MedGen C2931743, MONDO:0013047, OMIM 612933.

Allele frequency attached by ClinVar (database versions not stated): gnomAD exomes 0.00001; ExAC 0.00001.
gnomAD v4.1: 5 of 1,612,364 alleles (0.00031%); highest among the groups gnomAD compares: Admixed American, 0.0067%; no homozygotes.

Submissions (2):

Labcorp Genetics (formerly Invitae), Labcorp
Classification: Pathogenic for Glycogen storage disease due to lactate dehydrogenase M-subunit deficiency. Last evaluated: 2024-06-13. Review status: criteria provided, single submitter. Criteria: Invitae Variant Classification Sherloc (09022015). Collection method: clinical testing. Allele origin: germline.
Comment: This sequence change creates a premature translational stop signal (p.Ser137*) in the LDHA gene. It is expected to result in an absent or disrupted protein product. Loss-of-function variants in LDHA are known to be pathogenic (PMID: 1959923). This variant is present in population databases (rs777988373, gnomAD 0.003%). This premature translational stop signal has been observed in individual(s) with clinical features of glycogen storage disease (PMID: 36292720). For these reasons, this variant has been classified as Pathogenic.

Fulgent Genetics
Classification: Pathogenic for Glycogen storage disease due to lactate dehydrogenase M-subunit deficiency. Last evaluated: 2024-03-15. Review status: criteria provided, single submitter. Criteria: ACMG Guidelines, 2015. Collection method: clinical testing. Allele origin: germline.

Literature cited by the submitters: PubMed 1959923 (cited by Labcorp Genetics (formerly Invitae), Labcorp); PubMed 36292720 (cited by Labcorp Genetics (formerly Invitae), Labcorp).

NM_005566.4(LDHA):c.410C>A (p.Ser137Ter)

Gene: LDHA (lactate dehydrogenase A; plus strand). Cytogenetic location: 11p15.1.
Variant type: single nucleotide variant.
Coding change: c.410C>A on transcript NM_005566.4 (MANE Select); coding-DNA position 410, C replaced by A.
Protein change: p.Ser137Ter; replaces serine 137 with a stop codon.
Molecular consequence: nonsense. On other transcripts: non-coding transcript variant (1), intron variant (1).
Genome position (GRCh38, 1-based): chr11:18,401,002, C>A. VCF-style: chr11-18401002-C-A. GRCh37 (hg19) VCF-style: chr11-18422549-C-A.
Other names: c.497C>A, p.Ser166Ter (NM_001165414.2); c.410C>A, p.Ser137Ter (NM_001165415.2, NM_001165416.2); c.244+1454C>A (NM_001135239.2); short protein forms S137*, S166*.
Identifiers: ClinVar variation 2903039 (VCV002903039.4), dbSNP rs777988373, ClinGen allele CA5911279.